The following is an entry in ClinVar:

NM_000550.3(TYRP1):c.418dup (p.Glu140fs)

Gene: TYRP1 (tyrosinase related protein 1; plus strand). Cytogenetic location: 9p23.
Variant type: Duplication.
Coding change: c.418dup on transcript NM_000550.3 (MANE Select); coding-DNA position 418, one base duplicated (G; older notation c.418dupG).
Protein change: p.Glu140fs; shifts the reading frame from glutamic acid 140.
Molecular consequence: frameshift variant.
Genome position (GRCh38, 1-based): chr9:12,695,547, G duplicated. VCF-style (leftmost placement, unchanged base first): chr9-12695546-A-AG. GRCh37 (hg19) VCF-style: chr9-12695546-A-AG.
Other names: short protein forms E140fs.
Identifiers: ClinVar variation 2976322 (VCV002976322.3), dbSNP rs1303261390, ClinGen allele CA860106494.

ClinVar aggregate classification (germline): Pathogenic (1 of 4 stars; one submission).

Allele frequency attached by ClinVar (database versions not stated): gnomAD exomes below 0.00001; gnomAD 0.00001; TOPMed 0.00001.

Submission:

Labcorp Genetics (formerly Invitae), Labcorp
Classification: Pathogenic. Last evaluated: 2023-07-25. Review status: criteria provided, single submitter. Criteria: Invitae Variant Classification Sherloc (09022015). Collection method: clinical testing. Allele origin: germline.
Comment: This sequence change creates a premature translational stop signal (p.Glu140Glyfs*41) in the TYRP1 gene. It is expected to result in an absent or disrupted protein product. Loss-of-function variants in TYRP1 are known to be pathogenic (PMID: 8651291, 9345097). This variant is not present in population databases (gnomAD no frequency). This variant has not been reported in the literature in individuals affected with TYRP1-related conditions. For these reasons, this variant has been classified as Pathogenic.

Literature cited by the submitters: PubMed 8651291; PubMed 9345097.